The following is an entry in ClinVar:

NM_001378030.1(CCDC78):c.707T>C (p.Leu236Pro)

Gene: CCDC78 (coiled-coil domain containing 78; minus strand). Cytogenetic location: 16p13.3.
Variant type: single nucleotide variant.
Coding change: c.707T>C on transcript NM_001378030.1 (MANE Select); coding-DNA position 707, T replaced by C.
Protein change: p.Leu236Pro; replaces leucine 236 with proline.
Molecular consequence: missense variant. On other transcripts: non-coding transcript variant (5), intron variant (1).
Genome position (GRCh38, 1-based): chr16:724,739, A>G on the plus strand (T>C on the coding strand, the complement: CCDC78 is on the minus strand). VCF-style: chr16-724739-A-G. GRCh37 (hg19) VCF-style: chr16-774739-A-G.
Other names: c.707T>C, p.Leu236Pro (NM_001031737.3, NM_001378031.1); c.199-230T>C (NM_001378033.1); short protein forms L236P.
Identifiers: ClinVar variation 580130 (VCV000580130.10), dbSNP rs1352546137, ClinGen allele CA394101304.

ClinVar aggregate classification (germline): Uncertain significance (1 of 4 stars; one submission).

Conditions:
Congenital myopathy with internal nuclei and atypical cores. Also called: Myopathy, centronuclear, 4. Identifiers: Orphanet 319160, MedGen C4707232, MONDO:0013890, OMIM 614807.

Allele frequency attached by ClinVar (database versions not stated): TOPMed below 0.00001; gnomAD 0.00001; gnomAD exomes 0.00001 and 0.00002.
gnomAD v4.1: 25 of 1,611,934 alleles (0.0016%); highest among the groups gnomAD compares: African/African-American, 0.0027%; no homozygotes.

Submission:

Labcorp Genetics (formerly Invitae), Labcorp
Classification: Uncertain significance for Congenital myopathy with internal nuclei and atypical cores. Last evaluated: 2023-03-20. Review status: criteria provided, single submitter. Criteria: Invitae Variant Classification Sherloc (09022015). Collection method: clinical testing. Allele origin: germline.
Comment: In summary, the available evidence is currently insufficient to determine the role of this variant in disease. Therefore, it has been classified as a Variant of Uncertain Significance. Advanced modeling of protein sequence and biophysical properties (such as structural, functional, and spatial information, amino acid conservation, physicochemical variation, residue mobility, and thermodynamic stability) has been performed at Invitae for this missense variant, however the output from this modeling did not meet the statistical confidence thresholds required to predict the impact of this variant on CCDC78 protein function. ClinVar contains an entry for this variant (Variation ID: 580130). This variant has not been reported in the literature in individuals affected with CCDC78-related conditions. This variant is present in population databases (no rsID available, gnomAD 0.007%). This sequence change replaces leucine, which is neutral and non-polar, with proline, which is neutral and non-polar, at codon 236 of the CCDC78 protein (p.Leu236Pro).